The following is an entry in ClinVar:

ClinVar aggregate classification (germline): Uncertain significance (1 of 4 stars; one submission).

Conditions:
Cystic fibrosis (CF). Also called: MUCOVISCIDOSIS. Identifiers: Orphanet 586, MedGen C0010674, MONDO:0009061, OMIM 219700. Disease mechanism: loss of function.

gnomAD v4.1: 1 of 1,613,998 alleles (0.000062%); highest among the groups gnomAD compares: Non-Finnish European, 0.000085%; no homozygotes.

Submission:

Ambry Genetics
Classification: Uncertain significance for Cystic fibrosis. Last evaluated: 2024-01-20. Review status: criteria provided, single submitter. Criteria: Ambry Variant Classification Scheme 2023. Collection method: clinical testing. Allele origin: germline.
Comment: The p.I1416T variant (also known as c.4247T>C), located in coding exon 27 of the CFTR gene, results from a T to C substitution at nucleotide position 4247. The isoleucine at codon 1416 is replaced by threonine, an amino acid with similar properties. This amino acid position is conserved. In addition, this alteration is predicted to be deleterious by in silico analysis. Based on the available evidence, the clinical significance of this alteration remains unclear.

NM_000492.4(CFTR):c.4247T>C (p.Ile1416Thr)

Genes: CFTR (CF transmembrane conductance regulator; plus strand), LOC111674477 (CFTR intron 23 enhancer; plus strand). Cytogenetic location: 7q31.2.
Variant type: single nucleotide variant.
Coding change: c.4247T>C on transcript NM_000492.4 (MANE Select); coding-DNA position 4247, T replaced by C.
Protein change: p.Ile1416Thr; replaces isoleucine 1416 with threonine.
Molecular consequence: missense variant.
Genome position (GRCh38, 1-based): chr7:117,666,912, T>C. VCF-style: chr7-117666912-T-C. GRCh37 (hg19) VCF-style: chr7-117306966-T-C.
Other names: short protein forms I1416T.
Identifiers: ClinVar variation 3231911 (VCV003231911.1), dbSNP rs2485185426, ClinGen allele CA368984375.